The following is an entry in ClinVar:

NM_020344.4(SLC24A2):c.1802A>G (p.Asn601Ser)

Gene: SLC24A2 (solute carrier family 24 member 2; minus strand). Cytogenetic location: 9p22.1.
Variant type: single nucleotide variant.
Coding change: c.1802A>G on transcript NM_020344.4 (MANE Select); coding-DNA position 1802, A replaced by G.
Protein change: p.Asn601Ser; replaces asparagine 601 with serine.
Molecular consequence: missense variant.
Genome position (GRCh38, 1-based): chr9:19,516,337, T>C on the plus strand (A>G on the coding strand, the complement: SLC24A2 is on the minus strand). VCF-style: chr9-19516337-T-C. GRCh37 (hg19) VCF-style: chr9-19516335-T-C.
Other names: c.1751A>G, p.Asn584Ser (NM_001193288.3, NM_001375851.1); c.1802A>G, p.Asn601Ser (NM_001375850.1); short protein forms N601S, N584S.
Identifiers: ClinVar variation 445347 (VCV000445347.4), dbSNP rs61745273, ClinGen allele CA5004970.

ClinVar aggregate classification (germline): Benign/Likely benign. Review status: criteria provided, multiple submitters, no conflicts (2 of 4 stars). 3 submissions from 3 submitters: Benign (1); Likely benign (2). Last evaluated 2017-06-20.

Conditions:
Abnormal retinal morphology. Identifiers: MedGen C0035300, HP:0000479.

Allele frequency attached by ClinVar (database versions not stated): ESP Exome Variant Server 0.00015; gnomAD exomes 0.00067 and 0.00282; TOPMed 0.00139; ExAC 0.00194; gnomAD 0.00211 and 0.00215; 1000 Genomes Project 30x 0.00437; 1000 Genomes Project 0.00439.
gnomAD v4.1: 1,322 of 1,614,096 alleles (0.082%); highest among the groups gnomAD compares: Admixed American, 2%; 21 homozygotes.

Submissions (3):

Center for Pediatric Genomic Medicine, Children's Mercy Hospital and Clinics
Classification: Likely benign. Last evaluated: 2017-06-20. Review status: criteria provided, single submitter. Criteria: ACMG Guidelines, 2015. Collection method: clinical testing. Allele origin: germline.

Breakthrough Genomics
Classification: Likely benign. Review status: criteria provided, single submitter. Criteria: ACMG Guidelines, 2015. Collection method: not provided. Allele origin: germline. Inheritance: Unknown mechanism. Affected: yes.

Broad Center for Mendelian Genomics, Broad Institute of MIT and Harvard
Classification: Benign for Retinal disease. Review status: criteria provided, single submitter. Criteria: ACMG Guidelines, 2015. Collection method: research. Allele origin: germline. Affected: yes.
Comment: The p.Asn601Ser variant has been identified in an individual with retinal disease affecting cone photoreceptors (PMID: 12037007), and has been identified in >1% of Latino chromosomes and 5 homozygotes by ExAC. In vitro functional studies provide some evidence that the Asn601Ser variant may not impact protein function (PMID: 12037007). However, these types of assays may not accurately represent biological function. In summary, this variant meets criteria to be classified as benign for retinal disease.

Literature cited by the submitters: PubMed 12037007 (cited by Broad Center for Mendelian Genomics, Broad Institute of MIT and Harvard).